The following is an entry in ClinVar:

ClinVar aggregate classification (germline): Uncertain significance (1 of 4 stars; one submission).

Submission:

Labcorp Genetics (formerly Invitae), Labcorp
Classification: Uncertain significance. Last evaluated: 2022-05-13. Review status: criteria provided, single submitter. Criteria: Invitae Variant Classification Sherloc (09022015). Collection method: clinical testing. Allele origin: germline.
Comment: In summary, the available evidence is currently insufficient to determine the role of this variant in disease. Therefore, it has been classified as a Variant of Uncertain Significance. Algorithms developed to predict the effect of missense changes on protein structure and function (SIFT, PolyPhen-2, Align-GVGD) all suggest that this variant is likely to be disruptive. This variant has not been reported in the literature in individuals affected with GFM2-related conditions. This variant is not present in population databases (gnomAD no frequency). This sequence change replaces glycine, which is neutral and non-polar, with tryptophan, which is neutral and slightly polar, at codon 437 of the GFM2 protein (p.Gly437Trp).

NM_032380.5(GFM2):c.1309G>T (p.Gly437Trp)

Gene: GFM2 (GTP dependent ribosome recycling factor mitochondrial 2; minus strand). Cytogenetic location: 5q13.3.
Variant type: single nucleotide variant.
Coding change: c.1309G>T on transcript NM_032380.5 (MANE Select); coding-DNA position 1309, G replaced by T.
Protein change: p.Gly437Trp; replaces glycine 437 with tryptophan.
Molecular consequence: missense variant. On other transcripts: non-coding transcript variant (1).
Genome position (GRCh38, 1-based): chr5:74,738,329, C>A on the plus strand (G>T on the coding strand, the complement: GFM2 is on the minus strand). VCF-style: chr5-74738329-C-A. GRCh37 (hg19) VCF-style: chr5-74034154-C-A.
Other names: c.1405G>T, p.Gly469Trp (NM_001281302.2); c.1309G>T, p.Gly437Trp (NM_170681.3); c.1168G>T, p.Gly390Trp (NM_170691.3); short protein forms G390W, G437W, G469W.
Identifiers: ClinVar variation 1993898 (VCV001993898.4), dbSNP rs2478876246, ClinGen allele CA360079562.